The following is an entry in ClinVar:

NM_002454.3(MTRR):c.490A>C (p.Ser164Arg)

Gene: MTRR (5-methyltetrahydrofolate-homocysteine methyltransferase reductase; plus strand). Cytogenetic location: 5p15.31.
Variant type: single nucleotide variant.
Coding change: c.490A>C on transcript NM_002454.3 (MANE Select); coding-DNA position 490, A replaced by C.
Protein change: p.Ser164Arg; replaces serine 164 with arginine.
Molecular consequence: missense variant. On other transcripts: non-coding transcript variant (14).
Genome position (GRCh38, 1-based): chr5:7,878,032, A>C. VCF-style: chr5-7878032-A-C. GRCh37 (hg19) VCF-style: chr5-7878145-A-C.
Other names: c.490A>C, p.Ser164Arg (NM_001364440.2, NM_001364441.2, NM_001364442.2 and 1 more transcripts); short protein forms S164R.
Identifiers: ClinVar variation 2218664 (VCV002218664.4), dbSNP rs779803224, ClinGen allele CA3195611.
Genomic context (GRCh38, chr5:7,878,032, plus strand): 5'-GCTGGACTCTGGCCAGCCCTCAGAAAGCATTTTAGGTCAAGCAGAGGACAAGAGGAGATA[A>C]GTGGCGCACTCCCGGTGGCATCACCTGCATCCTCGAGGACAGACCTTGTGAAGTCAGAGC-3'
Protein context (NP_002445.2, residues 154-174): FRSSRGQEEI[Ser164Arg]GALPVASPAS

ClinVar aggregate classification (germline): Uncertain significance. Review status: criteria provided, multiple submitters, no conflicts (2 of 4 stars). 2 submissions from 2 submitters: Uncertain significance (2). Last evaluated 2026-02-01.

Conditions:
Inborn genetic diseases. Identifiers: MedGen C0950123, MeSH D030342.

Allele frequency attached by ClinVar (database versions not stated): gnomAD exomes 0.00001; ExAC 0.00002.
gnomAD v4.1: 31 of 1,613,720 alleles (0.0019%); highest among the groups gnomAD compares: African/African-American, 0.032%; no homozygotes.

Submissions (2):

GeneDx
Classification: Uncertain significance. Last evaluated: 2026-02-01. Review status: criteria provided, single submitter. Criteria: GeneDx Variant Classification Process June 2021. Collection method: clinical testing. Allele origin: germline.
Comment: In silico analysis suggests that this missense variant does not alter protein structure/function; Has not been previously published as pathogenic or benign to our knowledge; This variant is associated with the following publications: (PMID: 26689913)

Ambry Genetics
Classification: Uncertain significance for Inborn genetic diseases. Last evaluated: 2025-06-24. Review status: criteria provided, single submitter. Criteria: Ambry Variant Classification Scheme 2023. Collection method: clinical testing. Allele origin: germline.